The following is an entry in ClinVar:

ClinVar aggregate classification (germline): Uncertain significance (1 of 4 stars; one submission).

Allele frequency attached by ClinVar (database versions not stated): TOPMed below 0.00001.
gnomAD v4.1: 1 of 1,613,118 alleles (0.000062%); highest among the groups gnomAD compares: Non-Finnish European, 0.000085%; no homozygotes.

Submission:

Labcorp Genetics (formerly Invitae), Labcorp
Classification: Uncertain significance. Last evaluated: 2022-09-09. Review status: criteria provided, single submitter. Criteria: Invitae Variant Classification Sherloc (09022015). Collection method: clinical testing. Allele origin: germline.
Comment: Advanced modeling of protein sequence and biophysical properties (such as structural, functional, and spatial information, amino acid conservation, physicochemical variation, residue mobility, and thermodynamic stability) performed at Invitae indicates that this missense variant is not expected to disrupt ROBO2 protein function. In summary, the available evidence is currently insufficient to determine the role of this variant in disease. Therefore, it has been classified as a Variant of Uncertain Significance. This variant has not been reported in the literature in individuals affected with ROBO2-related conditions. This sequence change replaces threonine, which is neutral and polar, with isoleucine, which is neutral and non-polar, at codon 744 of the ROBO2 protein (p.Thr744Ile). This variant is present in population databases (no rsID available, gnomAD 0.0009%).

NM_001395656.1(ROBO2):c.2243C>T (p.Thr748Ile)

Gene: ROBO2 (roundabout guidance receptor 2; plus strand). Cytogenetic location: 3p12.3.
Variant type: single nucleotide variant.
Coding change: c.2243C>T on transcript NM_001395656.1 (MANE Select); coding-DNA position 2243, C replaced by T.
Protein change: p.Thr748Ile; replaces threonine 748 with isoleucine.
Molecular consequence: missense variant.
Genome position (GRCh38, 1-based): chr3:77,577,517, C>T. VCF-style: chr3-77577517-C-T. GRCh37 (hg19) VCF-style: chr3-77626668-C-T.
Other names: c.2279C>T, p.Thr760Ile (NM_001128929.3); c.2243C>T, p.Thr748Ile (NM_001290039.2, NM_001290040.2, NM_001378202.1); c.452C>T, p.Thr151Ile (NM_001290065.2); c.2291C>T, p.Thr764Ile (NM_001378190.1, NM_001378191.1, NM_001378195.1 and 4 more transcripts); c.2312C>T, p.Thr771Ile (NM_001378192.1, NM_001378194.1, NM_001378198.1 and 2 more transcripts); c.2231C>T, p.Thr744Ile (NM_001378193.1, NM_001378197.1, NM_002942.5); c.2300C>T, p.Thr767Ile (NM_001394212.1, NM_001394214.1, NM_001395657.1); short protein forms T151I, T744I, T767I, T748I, T771I, T760I, T764I.
Identifiers: ClinVar variation 1912780 (VCV001912780.5), dbSNP rs779970791, ClinGen allele CA353522532.